The following is an entry in ClinVar:

ClinVar aggregate classification (germline): Uncertain significance. Review status: criteria provided, multiple submitters, no conflicts (2 of 4 stars). 2 submissions from 2 submitters: Uncertain significance (2). Last evaluated 2025-11-11.

Conditions:
Inborn genetic diseases. Identifiers: MedGen C0950123, MeSH D030342.

Submissions (2):

Ambry Genetics
Classification: Uncertain significance for Inborn genetic diseases. Last evaluated: 2025-11-11. Review status: criteria provided, single submitter. Criteria: Ambry Variant Classification Scheme 2023. Collection method: clinical testing. Allele origin: germline.
Comment: The p.P486L variant (also known as c.1457C>T), located in coding exon 15 of the FANCA gene, results from a C to T substitution at nucleotide position 1457. The proline at codon 486 is replaced by leucine, an amino acid with similar properties. This amino acid position is conserved. In addition, this alteration is predicted to be deleterious by in silico analysis. Based on the available evidence, the clinical significance of this variant remains unclear.

Blueprint Genetics
Classification: Uncertain significance. Last evaluated: 2021-10-15. Review status: criteria provided, single submitter. Criteria: ACMG Guidelines, 2015. Collection method: clinical testing. Allele origin: germline.

NM_000135.4(FANCA):c.1457C>T (p.Pro486Leu)

Gene: FANCA (FA complementation group A; minus strand). Cytogenetic location: 16q24.3.
Variant type: single nucleotide variant.
Coding change: c.1457C>T on transcript NM_000135.4 (MANE Select); coding-DNA position 1457, C replaced by T.
Protein change: p.Pro486Leu; replaces proline 486 with leucine.
Molecular consequence: missense variant.
Genome position (GRCh38, 1-based): chr16:89,784,867, G>A on the plus strand (C>T on the coding strand, the complement: FANCA is on the minus strand). VCF-style: chr16-89784867-G-A. GRCh37 (hg19) VCF-style: chr16-89851275-G-A.
Other names: c.1457C>T, p.Pro486Leu (NM_001286167.3); short protein forms P486L.
Identifiers: ClinVar variation 4619265 (VCV004619265.2).